The following is an entry in ClinVar:

NM_004795.4(KL):c.514T>C (p.Tyr172His)

Gene: KL (klotho; plus strand). Cytogenetic location: 13q13.1.
Variant type: single nucleotide variant.
Coding change: c.514T>C on transcript NM_004795.4 (MANE Select); coding-DNA position 514, T replaced by C.
Protein change: p.Tyr172His; replaces tyrosine 172 with histidine.
Molecular consequence: missense variant.
Genome position (GRCh38, 1-based): chr13:33,016,954, T>C. VCF-style: chr13-33016954-T-C. GRCh37 (hg19) VCF-style: chr13-33591092-T-C.
Other names: short protein forms Y172H.
Identifiers: ClinVar variation 1961180 (VCV001961180.5), dbSNP rs1312837610, ClinGen allele CA387781728.
Genomic context (GRCh38, chr13:33,016,954, plus strand): 5'-TCGTGGGCGCGAGTGCTCCCCAATGGCAGCGCGGGCGTCCCCAACCGCGAGGGGCTGCGC[T>C]ACTACCGGCGCCTGCTGGAGCGGCTGCGGGAGCTGGGCGTGCAGCCCGTGGTCACCCTGT-3'
Protein context (NP_004786.2, residues 162-182): AGVPNREGLR[Tyr172His]YRRLLERLRE

ClinVar aggregate classification (germline): Uncertain significance (1 of 4 stars; one submission).

Allele frequency attached by ClinVar (database versions not stated): gnomAD exomes below 0.00001; gnomAD 0.00005.
gnomAD v4.1: 10 of 1,604,236 alleles (0.00062%); highest among the groups gnomAD compares: Non-Finnish European, 0.00085%; no homozygotes.

Submission:

Labcorp Genetics (formerly Invitae), Labcorp
Classification: Uncertain significance. Last evaluated: 2024-10-22. Review status: criteria provided, single submitter. Criteria: Invitae Variant Classification Sherloc (09022015). Collection method: clinical testing. Allele origin: germline.
Comment: This sequence change replaces tyrosine, which is neutral and polar, with histidine, which is basic and polar, at codon 172 of the KL protein (p.Tyr172His). This variant is present in population databases (no rsID available, gnomAD 0.01%), and has an allele count higher than expected for a pathogenic variant. This variant has not been reported in the literature in individuals affected with KL-related conditions. ClinVar contains an entry for this variant (Variation ID: 1961180). Invitae Evidence Modeling of protein sequence and biophysical properties (such as structural, functional, and spatial information, amino acid conservation, physicochemical variation, residue mobility, and thermodynamic stability) indicates that this missense variant is not expected to disrupt KL protein function with a negative predictive value of 80%. In summary, the available evidence is currently insufficient to determine the role of this variant in disease. Therefore, it has been classified as a Variant of Uncertain Significance.